The following is an entry in ClinVar:

NM_001369.3(DNAH5):c.10869_10870insAGATGTGCATAAGAGACAG (p.Gln3624delinsArgCysAlaTer)

Gene: DNAH5 (dynein axonemal heavy chain 5; minus strand). Cytogenetic location: 5p15.2.
Variant type: Insertion.
Coding change: c.10869_10870insAGATGTGCATAAGAGACAG on transcript NM_001369.3 (MANE Select); coding-DNA positions 10869 to 10870, AGATGTGCATAAGAGACAG inserted.
Protein change: p.Gln3624delinsArgCysAlaTer.
Molecular consequence: nonsense.
Genome position: GRCh38 VCF-style: chr5-13753235-G-GCTGTCTCTTATGCACATCT. GRCh37 (hg19) VCF-style: chr5-13753344-G-GCTGTCTCTTATGCACATCT.
Identifiers: ClinVar variation 5016443 (VCV005016443.1).

ClinVar aggregate classification (germline): Pathogenic (1 of 4 stars; one submission).

Conditions:
Primary ciliary dyskinesia 3. Identifiers: Orphanet 244, MedGen C1837618, MONDO:0012085, OMIM 608644.

Submission:

Myriad Genetics, Inc.
Classification: Pathogenic for Primary ciliary dyskinesia 3. Last evaluated: 2024-05-14. Review status: criteria provided, single submitter. Criteria: Myriad Autosomal Dominant, Autosomal Recessive and X-Linked Classification Criteria (2023). Collection method: clinical testing. Allele origin: unknown.
Comment: NM_001369.2(DNAH5):c.10869_10870ins19(Q3624Rfs*4) is expected to be pathogenic in the context of primary ciliary dyskinesia, DNAH5-related. This variant is predicted to lead to an abnormal or absent protein product due to the creation of a premature termination codon in DNAH5, a gene where loss-of-function variants are known to be pathogenic. Please note: this variant was assessed in the context of healthy population screening.